The following is an entry in ClinVar:

NM_002454.3(MTRR):c.997C>T (p.Leu333Phe)

Gene: MTRR (5-methyltetrahydrofolate-homocysteine methyltransferase reductase; plus strand). Cytogenetic location: 5p15.31.
Variant type: single nucleotide variant.
Coding change: c.997C>T on transcript NM_002454.3 (MANE Select); coding-DNA position 997, C replaced by T.
Protein change: p.Leu333Phe; replaces leucine 333 with phenylalanine.
Molecular consequence: missense variant. On other transcripts: non-coding transcript variant (14).
Genome position (GRCh38, 1-based): chr5:7,885,794, C>T. VCF-style: chr5-7885794-C-T. GRCh37 (hg19) VCF-style: chr5-7885907-C-T.
Other names: c.997C>T, p.Leu333Phe (NM_001364440.2, NM_001364441.2, NM_001364442.2 and 1 more transcripts); short protein forms L333F.
Identifiers: ClinVar variation 2187180 (VCV002187180.1), dbSNP rs10064631, ClinGen allele CA359157937.

ClinVar aggregate classification (germline): Uncertain significance (1 of 4 stars; one submission).

Conditions:
Methylcobalamin deficiency type cblE (HMAE). Also called: VITAMIN B12-RESPONSIVE HOMOCYSTINURIA, cblE TYPE; HOMOCYSTINURIA-MEGALOBLASTIC ANEMIA, cblE COMPLEMENTATION TYPE; HOMOCYSTINURIA-MEGALOBLASTIC ANEMIA, cblE TYPE. Identifiers: Orphanet 2169, Orphanet 622, MedGen C1856057, MONDO:0009354, OMIM 236270.

gnomAD v4.1: 32 of 1,613,772 alleles (0.002%); highest among the groups gnomAD compares: Non-Finnish European, 0.00034%; no homozygotes.

Submission:

Labcorp Genetics (formerly Invitae), Labcorp
Classification: Uncertain significance for Methylcobalamin deficiency type cblE. Last evaluated: 2022-07-16. Review status: criteria provided, single submitter. Criteria: Invitae Variant Classification Sherloc (09022015). Collection method: clinical testing. Allele origin: germline.
Comment: This sequence change replaces leucine, which is neutral and non-polar, with phenylalanine, which is neutral and non-polar, at codon 333 of the MTRR protein (p.Leu333Phe). This variant is present in population databases (no rsID available, gnomAD 0.0009%). This variant has not been reported in the literature in individuals affected with MTRR-related conditions. Algorithms developed to predict the effect of missense changes on protein structure and function are either unavailable or do not agree on the potential impact of this missense change (SIFT: "Deleterious"; PolyPhen-2: "Probably Damaging"; Align-GVGD: "Class C0"). In summary, the available evidence is currently insufficient to determine the role of this variant in disease. Therefore, it has been classified as a Variant of Uncertain Significance.